The following is an entry in ClinVar:

ClinVar aggregate classification (germline): Pathogenic. Review status: reviewed by expert panel (3 of 4 stars). 11 submissions from 11 submitters: Pathogenic (1). 10 of the submissions do not count toward it. Last evaluated 2025-05-16.

Conditions:
Hereditary cancer-predisposing syndrome. Also called: Tumor predisposition; Neoplastic Syndromes, Hereditary; Hereditary Cancer Syndrome; Hereditary neoplastic syndrome. Identifiers: Orphanet 140162, MedGen C0027672, MeSH D009386, MONDO:0015356.
Familial multiple polyposis syndrome (FAP). Also called: Familial adenomatous polyposis; Familial intestinal polyposis; Familial polyposis; Familial Adenomatous Polyposis (FAP); Classic familial adenomatous polyposis. Identifiers: Orphanet 733, MedGen C0032580, MONDO:0021055. Disease mechanism: loss of function.
Familial adenomatous polyposis 1 (FAP1). Also called: FAMILIAL ADENOMATOUS POLYPOSIS 1, ATTENUATED; POLYPOSIS, ADENOMATOUS INTESTINAL. Identifiers: MedGen C2713442, MONDO:0021056, OMIM 175100. Disease mechanism: loss of function.
Carcinoma of colon (CRC). Also called: Colonic carcinoma; Colon carcinoma. Identifiers: MedGen C0699790, MONDO:0002032.

Allele frequency attached by ClinVar (database versions not stated): gnomAD 0.00001; TOPMed below 0.00001.
gnomAD v4.1: 2 of 1,603,200 alleles (0.00012%); highest among the groups gnomAD compares: Non-Finnish European, 0.00017%; no homozygotes.

Submissions (11):

ClinGen InSiGHT Hereditary Colorectal Cancer/Polyposis Variant Curation Expert Panel
Classification: Pathogenic for Familial multiple polyposis syndrome. Last evaluated: 2025-05-16. Review status: reviewed by expert panel. Criteria: ClinGen InSiGHT HCCP VCEP ACMG Specifications APC V1. Collection method: curation. Allele origin: germline. Inheritance: Autosomal dominant inheritance.
Comment: The NM_000038.6(APC):c.220+2T>A variant in APC occurs within the canonical splice donor site (+2) of intron 3. RT-PCR and CaptureSeq of patient cDNA demonstrated that the variant impacts splicing by creating a substantial but incomplete aberrant splice defect that is predicted to cause a premature stop codon (r.220+1_220+15ins15 (p.K73_E74insGRF*)) (PVS1, [internal data from Ambry Genetics, Invitae, Copenhagen University Hospital]). This variant has been reported in 25 probands/families meeting phenotypic criteria, resulting in a total phenotype score of 13.5 points (PS4, [Ambry Genetics, Invitae]). Moreover, the variant has been observed in heterozygous state in 20 additional individuals with a “Colorectal cancer/polyposis associated phenotype,” however, the available phenotype information is not sufficient to assign phenotype points (Invitae). This variant is absent from gnomAD v2.1.1 (PM2_Supporting). In summary, this variant meets the criteria to be classified as Pathogenic for autosomal-dominant inherited FAP based on the ACMG/AMP criteria applied, as specified by the ClinGen InSiGHT Hereditary Colorectal Cancer/Polyposis VCEP: PVS1, PS4, PM2_Supporting (VCEP specifications v2.1.0; date of approval 11/24/2023).

GeneDx
Classification: Pathogenic. Last evaluated: 2026-10-06. Review status: criteria provided, single submitter. Criteria: GeneDx Variant Classification Process June 2021. Collection method: clinical testing. Allele origin: germline. Not counted in ClinVar's aggregate classification.
Comment: Canonical splice site variant predicted to result in a null allele in a gene for which loss of function is a known mechanism of disease; Observed in individuals undergoing APC testing in published literature (PMID: 23159591); Not observed at significant frequency in large population cohorts (gnomAD); This variant is associated with the following publications: (PMID: 14574009, 23159591, 39357517)

Women's Health and Genetics/Laboratory Corporation of America, LabCorp
Classification: Pathogenic for Familial multiple polyposis syndrome. Last evaluated: 2026-04-07. Review status: criteria provided, single submitter. Criteria: LabCorp Variant Classification Summary - May 2015. Collection method: clinical testing. Allele origin: germline. Not counted in ClinVar's aggregate classification.
Comment: Variant summary: APC c.220+2T>A is located in a canonical splice-site and is predicted to affect mRNA splicing resulting in a significantly altered protein due to either exon skipping, shortening, or inclusion of intronic material. Variants that disrupt the consensus splice site are a relatively common cause of aberrant splicing and loss of APC function. Several computational tools predict a significant impact on normal splicing: Three predict the variant abolishes a 5' splicing donor site. At least one publication reports experimental evidence that this variant affects mRNA splicing (Yin_2024). The variant was absent in 250308 control chromosomes. c.220+2T>A has been observed in at least one individual affected with Familial Adenomatous Polyposis (Kerr_2013). A different splice donor variant at the same donor site has also been classified as pathogenic (c.220+1G>A). The following publications have been ascertained in the context of this evaluation (PMID: 23159591, 39357517). ClinVar contains an entry for this variant (Variation ID: 141515). Based on the evidence outlined above, the variant was classified as pathogenic.

Labcorp Genetics (formerly Invitae), Labcorp
Classification: Pathogenic for Familial adenomatous polyposis 1. Last evaluated: 2026-01-27. Review status: criteria provided, single submitter. Criteria: Invitae Variant Classification Sherloc (09022015). Collection method: clinical testing. Allele origin: germline. Not counted in ClinVar's aggregate classification.
Comment: This sequence change affects a donor splice site in intron 3 of the APC gene. RNA analysis indicates that disruption of this splice site induces altered splicing and may result in an absent or altered protein product. This variant is not present in population databases (gnomAD no frequency). Disruption of this splice site has been observed in individual(s) with clinical features of familial adenomatous polyposis (PMID: 23159591). ClinVar contains an entry for this variant (Variation ID: 141515). Studies have shown that disruption of this splice site results in activation of a cryptic splice site, and produces a non-functional protein and/or introduces a premature termination codon (internal data). For these reasons, this variant has been classified as Pathogenic.

Color Diagnostics, LLC DBA Color Health
Classification: Pathogenic for Hereditary cancer-predisposing syndrome. Last evaluated: 2024-12-11. Review status: criteria provided, single submitter. Criteria: ACMG Guidelines, 2015. Collection method: clinical testing. Allele origin: germline. Not counted in ClinVar's aggregate classification.
Comment: This variant causes a T>A nucleotide substitution at the +2 position of intron 3 of the APC gene. Splice site prediction tools suggest that this variant may have a significant impact on RNA splicing. Although this prediction has not been confirmed in published RNA studies, this variant is expected to result in an absent or disrupted protein product. This variant has not been reported in individuals affected with APC-related disorders in the literature. Other splice variants at this canonical splice site, c.220+1G>T and c.220+1G>A, are also predicted to impact the donor site and have been classified as deleterious (ClinVar variation ID: 2127851, 433598). This variant has not been identified in the general population by the Genome Aggregation Database (gnomAD). Loss of APC function is a known mechanism of disease. Based on the available evidence, this variant is classified as Pathogenic.

Ambry Genetics
Classification: Pathogenic for Hereditary cancer-predisposing syndrome. Last evaluated: 2024-03-21. Review status: criteria provided, single submitter. Criteria: Ambry Variant Classification Scheme 2023. Collection method: clinical testing. Allele origin: germline. Not counted in ClinVar's aggregate classification.
Comment: The c.220+2T>A pathogenic intronic variant results from a T to A substitution two nucleotides after coding exon 2 in the APC gene. This alteration was reported in one individual undergoing clinical APC analysis. It was reported to have an allele frequency of 0.003%, and was considered to be pathogenic by the study authors; however clinical data for this individual was not provided and functional analyses were not performed in this study (Kerr SE et al. J Mol Diagn 2013 Jan; 15(1):31-43). This alteration has been observed in multiple individuals who have a personal and/or family history that is consistent with attenuated FAP (Ambry internal data). This nucleotide position is highly conserved in available vertebrate species. In silico splice site analysis predicts that this alteration will weaken the native splice donor site and will result in the creation or strengthening of a novel splice donor site. RNA studies have demonstrated that this alteration results in abnormal splicing in the set of samples tested (Ambry internal data). This variant is considered to be rare based on population cohorts in the Genome Aggregation Database (gnomAD). Alterations that disrupt the canonical splice site are expected to cause aberrant splicing, resulting in an abnormal protein or a transcript that is subject to nonsense-mediated mRNA decay. Based on the supporting evidence, this alteration is interpreted as a disease-causing mutation.

Institute of Human Genetics, University of Leipzig Medical Center
Classification: Pathogenic for Familial adenomatous polyposis 1. Last evaluated: 2023-10-12. Review status: criteria provided, single submitter. Criteria: ACMG Guidelines, 2015. Collection method: clinical testing. Allele origin: unknown. Inheritance: Autosomal dominant inheritance. Affected: yes. Not counted in ClinVar's aggregate classification.
Comment: Criteria applied: PVS1,PS4_MOD,PM2_SUP

Myriad Genetics, Inc.
Classification: Likely pathogenic for Familial adenomatous polyposis 1. Last evaluated: 2023-04-25. Review status: criteria provided, single submitter. Criteria: Myriad Autosomal Dominant, Autosomal Recessive and X-Linked Classification Criteria (2023). Collection method: clinical testing. Allele origin: unknown. Not counted in ClinVar's aggregate classification.
Comment: This variant is considered likely pathogenic. This variant occurs within a consensus splice junction and is predicted to result in abnormal mRNA splicing of either an out-of-frame exon or an in-frame exon necessary for protein stability and/or normal function.

Quest Diagnostics Nichols Institute San Juan Capistrano
Classification: Pathogenic. Last evaluated: 2020-03-31. Review status: criteria provided, single submitter. Criteria: Quest Diagnostics criteria. Collection method: clinical testing. Allele origin: unknown. Not counted in ClinVar's aggregate classification.
Comment: This variant is located in a canonical splice-donor site and interferes with normal APC mRNA splicing. The variant has been reported in individuals affected with Familial Adenomatous Polyposis (FAP) and atypical Familial Adenomatous Polyposis (AFAP) in the published literature (PMID: 23159591 (2013), 14574009 (2001)). Therefore, the variant is classified as pathogenic.

Mayo Clinic Laboratories, Mayo Clinic
Classification: Likely pathogenic. Last evaluated: 2019-12-26. Review status: criteria provided, single submitter. Criteria: ACMG Guidelines, 2015. Collection method: clinical testing. Allele origin: germline. Observed: 1 variant allele. Not counted in ClinVar's aggregate classification.
Comment: PVS1_Mod, PM2, PP4, PP5

Department of Pathology and Laboratory Medicine, Sinai Health System
Classification: Pathogenic for Carcinoma of colon. Review status: no assertion criteria provided. Collection method: clinical testing. Allele origin: unknown. Affected: yes. Study: The Canadian Open Genetics Repository (COGR). Not counted in ClinVar's aggregate classification.
Comment: The APC c.220+2T>A variant was identified in HGMD, but was not identified in the literature. The variant is predicted to cause abnormal splicing because the nucleotide substitution occurs in the invariant region of the 5' splice consensus sequence. In addition, four in silico or computational prediction software programs (SpliceSiteFinder, MaxEntScan, NNSPLICE, HumanSpliceFinder) predict a greater than 10% difference in splicing. In summary, based on the above information, this variant meets our laboratoryâ€šÃ„Ã´s criteria to be classified as pathogenic.

Literature cited by the submitters: PubMed 23159591 (cited by 5 submitters); PubMed 39357517 (cited by Women's Health and Genetics/Laboratory Corporation of America, LabCorp); PubMed 14574009 (cited by Quest Diagnostics Nichols Institute San Juan Capistrano).

NM_000038.6(APC):c.220+2T>A

Gene: APC (APC regulator of Wnt signaling pathway; plus strand). Cytogenetic location: 5q22.2.
Variant type: single nucleotide variant.
Coding change: c.220+2T>A on transcript NM_000038.6 (MANE Select); the canonical splice donor site of the intron after coding-DNA position 220, T replaced by A.
Molecular consequence: splice donor variant.
Genome position (GRCh38, 1-based): chr5:112,766,412, T>A. VCF-style: chr5-112766412-T-A. GRCh37 (hg19) VCF-style: chr5-112102109-T-A.
Other names: c.220+2T>A (NM_001407454.1, NM_001354903.2, NM_001354899.2 and 16 more transcripts); c.43+2T>A (NM_001354900.2, NM_001354901.2, NM_001354905.2 and 1 more transcripts); c.-816+2T>A (NM_001407470.1, NM_001407472.1, NM_001354906.2 and 1 more transcripts); c.250+2T>A (NM_001407446.1, NM_001354897.2, NM_001354902.2 and 1 more transcripts); c.145+2T>A (NM_001407451.1, NM_001354898.2, NM_001354904.2).
Identifiers: ClinVar variation 141515 (VCV000141515.35), dbSNP rs587781809, ClinGen allele CA007244.